The following is an entry in ClinVar:

ClinVar aggregate classification (germline): Uncertain significance (1 of 4 stars; one submission).

Conditions:
Inborn genetic diseases. Identifiers: MedGen C0950123, MeSH D030342.

Submission:

Ambry Genetics
Classification: Uncertain significance for Inborn genetic diseases. Last evaluated: 2023-10-04. Review status: criteria provided, single submitter. Criteria: Ambry Variant Classification Scheme 2023. Collection method: clinical testing. Allele origin: germline.
Comment: The p.D155E variant (also known as c.465C>A), located in coding exon 2 of the PIK3CA gene, results from a C to A substitution at nucleotide position 465. The aspartic acid at codon 155 is replaced by glutamic acid, an amino acid with highly similar properties. This amino acid position is conserved. In addition, this alteration is predicted to be tolerated by in silico analysis. Since supporting evidence is limited at this time, the clinical significance of this alteration remains unclear.

NM_006218.4(PIK3CA):c.465C>A (p.Asp155Glu)

Gene: PIK3CA (phosphatidylinositol-4,5-bisphosphate 3-kinase catalytic subunit alpha; plus strand). Cytogenetic location: 3q26.32.
Variant type: single nucleotide variant.
Coding change: c.465C>A on transcript NM_006218.4 (MANE Select); coding-DNA position 465, C replaced by A.
Protein change: p.Asp155Glu; replaces aspartic acid 155 with glutamic acid.
Molecular consequence: missense variant.
Genome position (GRCh38, 1-based): chr3:179,199,802, C>A. VCF-style: chr3-179199802-C-A. GRCh37 (hg19) VCF-style: chr3-178917590-C-A.
Other names: short protein forms D155E.
Identifiers: ClinVar variation 3225370 (VCV003225370.1), dbSNP rs1051405, ClinGen allele CA355274037.